The following is an entry in ClinVar:

ClinVar aggregate classification (germline): Conflicting classifications of pathogenicity. Review status: criteria provided, conflicting classifications (1 of 4 stars). 4 submissions from 4 submitters: Uncertain significance (3); Likely benign (1). Last evaluated 2026-01-12.

Conditions:
RP1-related disorder. Also called: RP1-related condition.

Allele frequency attached by ClinVar (database versions not stated): ExAC 0.00012; gnomAD 0.00052 and 0.00049; 1000 Genomes Project 0.00100; gnomAD exomes 0.00004 and 0.00010; ESP Exome Variant Server 0.00062; TOPMed 0.00062; 1000 Genomes Project 30x 0.00109.
gnomAD v4.1: 132 of 1,613,974 alleles (0.0082%); highest among the groups gnomAD compares: African/African-American, 0.17%; no homozygotes.

Submissions (4):

Labcorp Genetics (formerly Invitae), Labcorp
Classification: Uncertain significance. Last evaluated: 2026-01-12. Review status: criteria provided, single submitter. Criteria: Invitae Variant Classification Sherloc (09022015). Collection method: clinical testing. Allele origin: germline.
Comment: This sequence change replaces asparagine, which is neutral and polar, with serine, which is neutral and polar, at codon 523 of the RP1 protein (p.Asn523Ser). This variant is present in population databases (rs144309486, gnomAD 0.1%). This missense change has been observed in individual(s) with autosomal recessive retinitis pigmentosa (internal data). In at least one individual the data is consistent with being in trans (on the opposite chromosome) from a pathogenic variant. ClinVar contains an entry for this variant (Variation ID: 95350). An algorithm developed to predict the effect of missense changes on protein structure and function outputs the following: PolyPhen-2: "Benign". The serine amino acid residue is found in multiple mammalian species, which suggests that this missense change does not adversely affect protein function. In summary, the available evidence is currently insufficient to determine the role of this variant in disease. Therefore, it has been classified as a Variant of Uncertain Significance.

PreventionGenetics, part of Exact Sciences
Classification: Uncertain significance for RP1-related condition. Last evaluated: 2025-12-10. Review status: criteria provided, single submitter. Criteria: ACMG Guidelines, 2015. Collection method: clinical testing. Allele origin: germline.
Comment: The RP1 c.1568A>G variant is predicted to result in the amino acid substitution p.Asn523Ser. To our knowledge, this variant has not been reported in the literature. This variant is reported in 0.15% of alleles in individuals of African descent in gnomAD. Although we suspect that this variant may be benign, at this time, the clinical significance of this variant is uncertain due to the absence of conclusive functional and genetic evidence.

Blueprint Genetics
Classification: Likely benign. Last evaluated: 2023-04-18. Review status: criteria provided, single submitter. Criteria: ACMG Guidelines, 2015. Collection method: clinical testing. Allele origin: germline.

Eurofins Ntd Llc (ga)
Classification: Uncertain significance. Last evaluated: 2013-08-14. Review status: criteria provided, single submitter. Criteria: EGL Classification Definitions 2015. Collection method: clinical testing. Allele origin: germline. Observed: 1 variant allele, 1 heterozygote.

NM_006269.2(RP1):c.1568A>G (p.Asn523Ser)

Gene: RP1 (RP1 axonemal microtubule associated; plus strand). Cytogenetic location: 8q12.1.
Variant type: single nucleotide variant.
Coding change: c.1568A>G on transcript NM_006269.2 (MANE Select); coding-DNA position 1568, A replaced by G.
Protein change: p.Asn523Ser; replaces asparagine 523 with serine.
Molecular consequence: missense variant.
Genome position (GRCh38, 1-based): chr8:54,625,450, A>G. VCF-style: chr8-54625450-A-G. GRCh37 (hg19) VCF-style: chr8-55538010-A-G.
Other names: short protein forms N523S.
Identifiers: ClinVar variation 95350 (VCV000095350.15), dbSNP rs144309486, ClinGen allele CA222915.
Genomic context (GRCh38, chr8:54,625,450, plus strand): 5'-ATTCTTGCAGTAAAATGTCATCAGTATCTAACAAACCAGTACTTGTTCAGATCAATAACA[A>G]TGATCAAATGGAGGAGTCATCATTAGAAAGAAAAAAGGAAAACAGTCTGCTTAAGTCAAG-3'
Protein context (NP_006260.1, residues 513-533): NKPVLVQINN[Asn523Ser]DQMEESSLER